The following is an entry in ClinVar:

ClinVar aggregate classification (germline): Uncertain significance (1 of 4 stars; one submission).

Conditions:
Hereditary spherocytosis type 2. Also called: SPHEROCYTOSIS, TYPE 2, AUTOSOMAL DOMINANT. Identifiers: Orphanet 822, MedGen C2674219, MONDO:0000913, OMIM 616649.

Allele frequency attached by ClinVar (database versions not stated): gnomAD exomes below 0.00001.
gnomAD v4.1: 2 of 1,614,192 alleles (0.00012%); highest among the groups gnomAD compares: South Asian, 0.0022%; no homozygotes.

Submission:

Neuberg Centre For Genomic Medicine, NCGM
Classification: Uncertain significance for Hereditary spherocytosis type 2. Last evaluated: 2023-02-14. Review status: criteria provided, single submitter. Criteria: ACMG Guidelines, 2015. Collection method: clinical testing. Allele origin: germline. Inheritance: Autosomal dominant inheritance. Affected: yes.
Comment: The missense c.2711T>C (p.Ile904Thr) variant in SPTB gene has not been reported previously as a pathogenic variant nor as a benign variant, to our knowledge. The p.Ile904Thr variant is reported with an allele frequency of 0.0004% in the gnomAD exomes database and is novel (not in any individuals) in 1000 Genomes database. This variant has not been reported to the ClinVar database. The amino acid change p.Ile904Thr in SPTB is predicted as conserved by GERP++ and PhyloP across 100 vertebrates. The amino acid Ile at position 904 is changed to a Thr changing protein sequence and it might alter its composition and physico-chemical properties. For these reasons, this variant has been classified as a Variant of Uncertain Significance (VUS).

NM_001355436.2(SPTB):c.2711T>C (p.Ile904Thr)

Gene: SPTB (spectrin beta, erythrocytic; minus strand). Cytogenetic location: 14q23.3.
Variant type: single nucleotide variant.
Coding change: c.2711T>C on transcript NM_001355436.2 (MANE Select); coding-DNA position 2711, T replaced by C.
Protein change: p.Ile904Thr; replaces isoleucine 904 with threonine.
Molecular consequence: missense variant.
Genome position (GRCh38, 1-based): chr14:64,791,812, A>G on the plus strand (T>C on the coding strand, the complement: SPTB is on the minus strand). VCF-style: chr14-64791812-A-G. GRCh37 (hg19) VCF-style: chr14-65258530-A-G.
Other names: c.2711T>C, p.Ile904Thr (NM_001024858.4, NM_001355437.2); short protein forms I904T.
Identifiers: ClinVar variation 2671714 (VCV002671714.1), dbSNP rs1249597109, ClinGen allele CA390015528.